The following is an entry in ClinVar:

ClinVar aggregate classification (germline): Likely benign (1 of 4 stars; one submission).

Conditions:
Hennekam lymphangiectasia-lymphedema syndrome 1 (HKLLS1). Also called: LYMPHATIC DYSPLASIA, GENERALIZED. Identifiers: Orphanet 2136, MedGen C4012050, MONDO:0009337, OMIM 235510.

Allele frequency attached by ClinVar (database versions not stated): gnomAD 0.00012 and 0.00014; TOPMed 0.00014; 1000 Genomes Project 0.00060; 1000 Genomes Project 30x 0.00094.

Submission:

Illumina Laboratory Services, Illumina
Classification: Likely benign for Hennekam lymphangiectasia-lymphedema syndrome 1. Last evaluated: 2018-01-13. Review status: criteria provided, single submitter. Criteria: ICSL Variant Classification Criteria 13 December 2019. Collection method: clinical testing. Allele origin: germline.
Comment: This variant was observed in the ICSL laboratory as part of a predisposition screen in an ostensibly healthy population. It had not been previously curated by ICSL or reported in the Human Gene Mutation Database (HGMD: prior to June 1st, 2018), and was therefore a candidate for classification through an automated scoring system. Utilizing variant allele frequency, disease prevalence and penetrance estimates, and inheritance mode, an automated score was calculated to assess if this variant is too frequent to cause the disease. Based on the score and internal cut-off values, a variant classified as likely benign is not then subjected to further curation. The score for this variant resulted in a classification of likely benign for this disease.

NM_133459.4(CCBE1):c.*1942T>C

Gene: CCBE1 (collagen and calcium binding EGF domains 1; minus strand). Cytogenetic location: 18q21.32.
Variant type: single nucleotide variant.
Coding change: c.*1942T>C on transcript NM_133459.4 (MANE Select); 1942 bases downstream of the stop codon, T replaced by C.
Molecular consequence: 3 prime UTR variant.
Genome position (GRCh38, 1-based): chr18:59,433,966, A>G on the plus strand (T>C on the coding strand, the complement: CCBE1 is on the minus strand). VCF-style: chr18-59433966-A-G. GRCh37 (hg19) VCF-style: chr18-57101198-A-G.
Other names: c.*1942T>C (LRG_1209t1).
Identifiers: ClinVar variation 327662 (VCV000327662.5), dbSNP rs138525348, ClinGen allele CA10652043.